The following is an entry in ClinVar:

ClinVar aggregate classification (germline): Pathogenic. Review status: reviewed by expert panel (3 of 4 stars). 16 submissions from 16 submitters: Pathogenic (1). 15 of the submissions do not count toward it. Last evaluated 2023-08-25.

Conditions:
CDH1-related disorder. Also called: CDH1-related condition.
CDH1-related diffuse gastric and lobular breast cancer syndrome. Also called: CDH1-related diffuse gastric and lobular breast cancer. Identifiers: MedGen CN311521, MONDO:0100488.
Familial cancer of breast. Also called: hereditary breast carcinoma; BREAST CANCER, FAMILIAL; Hereditary breast cancer. Identifiers: Orphanet 227535, MedGen C0346153, MONDO:0016419, OMIM 114480. Disease mechanism: loss of function.
Hereditary diffuse gastric adenocarcinoma (HDGC). Also called: DIFFUSE GASTRIC AND LOBULAR BREAST CANCER SYNDROME. Identifiers: Orphanet 26106, MedGen C1708349, MONDO:0007648, OMIM 137215.
Endometrial carcinoma. Also called: Endometrial carcinoma, somatic. Identifiers: MedGen C0476089, MONDO:0002447, OMIM 608089, HP:0012114.
Ovarian neoplasm. Also called: Neoplasm of ovary; Ovarian tumor; Ovarian Neoplasms. Identifiers: MedGen C0919267, MeSH D010051, MONDO:0021068, HP:0100615.
Prostate cancer. Also called: Malignant tumor of prostate. Identifiers: Orphanet 1331, MedGen C0376358, MONDO:0008315, HP:0012125.
Blepharocheilodontic syndrome 1 (BCDS1). Identifiers: Orphanet 1997, MedGen C4551988, MONDO:0054740, OMIM 119580.
Gastric cancer. Also called: Stomach cancer; Malignant tumor of stomach. Identifiers: MedGen C0024623, MeSH D013274, MONDO:0001056, OMIM 613659, HP:0012126.
Hereditary cancer-predisposing syndrome. Also called: Neoplastic Syndromes, Hereditary; Hereditary neoplastic syndrome; Hereditary Cancer Syndrome; Tumor predisposition. Identifiers: Orphanet 140162, MedGen C0027672, MeSH D009386, MONDO:0015356.

Submissions 1 to 11 of 16:

Clingen Gastric Cancer Variant Curation Expert Panel
Classification: Pathogenic for CDH1-related diffuse gastric and lobular breast cancer syndrome. Last evaluated: 2023-08-25. Review status: reviewed by expert panel. Criteria: ClinGen CDH1 ACMG Specifications V3.1. Collection method: curation. Allele origin: germline. Inheritance: Autosomal dominant inheritance.
Comment: The c.2064_2065delTG (p.Cys688Terfs) variant is predicted to result in a premature stop codon that leads to a truncated or absent protein (PVS1, PM5_Supporting). The variant is absent in the gnomAD cohort (PM2_Supporting). This variant has been reported in at least five families meeting HDGC clinical criteria (PS4; PMID: 15235021, 17545690, 21424370, 26072394, 29307626). In summary, this variant meets criteria to be classified as pathogenic based on the ACMG/AMP criteria applied as specified by the CDH1 Variant Curation Expert Panel: PVS1, PM2_Supporting, PS4, PM5_Supporting.

Labcorp Genetics (formerly Invitae), Labcorp
Classification: Pathogenic for Hereditary diffuse gastric adenocarcinoma. Last evaluated: 2026-01-26. Review status: criteria provided, single submitter. Criteria: Invitae Variant Classification Sherloc (09022015). Collection method: clinical testing. Allele origin: germline. Not counted in ClinVar's aggregate classification.
Comment: This sequence change creates a premature translational stop signal (p.Cys688*) in the CDH1 gene. It is expected to result in an absent or disrupted protein product. Loss-of-function variants in CDH1 are known to be pathogenic (PMID: 15235021, 20373070). This variant is not present in population databases (gnomAD no frequency). This premature translational stop signal has been observed in individual(s) with hereditary diffuse gastric cancer (PMID: 15235021, 17545690, 18391748). This variant is also known as c.2061delTG. ClinVar contains an entry for this variant (Variation ID: 140781). Studies have shown that this premature translational stop signal is associated with inconclusive levels of altered splicing (internal data). For these reasons, this variant has been classified as Pathogenic.

Ambry Genetics
Classification: Pathogenic for Hereditary cancer-predisposing syndrome. Last evaluated: 2025-01-06. Review status: criteria provided, single submitter. Criteria: Ambry Variant Classification Scheme 2023. Collection method: clinical testing. Allele origin: germline. Not counted in ClinVar's aggregate classification.
Comment: The c.2064_2065delTG pathogenic mutation, located in coding exon 13 of the CDH1 gene, results from a deletion of two nucleotides at nucleotide positions 2064 to 2065, causing a translational frameshift with a predicted alternate stop codon (p.C688*). This alteration has been observed in at least one individual with a personal and/or family history that is consistent with CDH1-related disease (Ambry internal data). This mutation has been reported in multiple hereditary diffuse gastric cancer families (Brooks-Wilson AR et al. J. Med. Genet. 2004 Jul;41:508-17; Kaurah P et al. JAMA 2007 Jun;297:2360-72; Rogers WM et al. Am. J. Surg. Pathol. 2008 Jun;32:799-809; van der Post RS et al. Gastroenterology 2015 Oct;149(4):897-906.e19). This variant is considered to be rare based on population cohorts in the Genome Aggregation Database (gnomAD). In addition to the clinical data presented in the literature, this alteration is expected to result in loss of function by premature protein truncation or nonsense-mediated mRNA decay. As such, this alteration is interpreted as a disease-causing mutation.

Quest Diagnostics Nichols Institute San Juan Capistrano
Classification: Pathogenic. Last evaluated: 2024-10-20. Review status: criteria provided, single submitter. Criteria: Quest Diagnostics criteria. Collection method: clinical testing. Allele origin: unknown. Not counted in ClinVar's aggregate classification.
Comment: The CDH1 c.2064_2065del (p.Cys688*) variant causes the premature termination of CDH1 protein synthesis. This variant has been reported in the published literature in individuals affected with gastric cancer (PMIDs: 15235021 (2004), 17545690 (2007), 26072394 (2015), 29307626 (2017), and 31296550 (2019)), and breast and/or ovarian cancer (PMID: 36436516 (2023)). This variant has not been reported in large, multi-ethnic general populations (Genome Aggregation Database). Based on the available information, this variant is classified as pathogenic.

Baylor Genetics
Classification: Pathogenic for Familial cancer of breast. Last evaluated: 2023-08-31. Review status: criteria provided, single submitter. Criteria: ACMG Guidelines, 2015. Collection method: clinical testing. Allele origin: unknown. Not counted in ClinVar's aggregate classification.

Mayo Clinic Laboratories, Mayo Clinic
Classification: Pathogenic. Last evaluated: 2023-05-23. Review status: criteria provided, single submitter. Criteria: ACMG Guidelines, 2015. Collection method: clinical testing. Allele origin: germline. Observed: 1 variant allele. Not counted in ClinVar's aggregate classification.
Comment: PP5, PM2_supporting, PM5_supporting, PS4, PVS1

Myriad Genetics, Inc.
Classification: Pathogenic for Hereditary diffuse gastric adenocarcinoma. Last evaluated: 2023-03-07. Review status: criteria provided, single submitter. Criteria: Myriad Autosomal Dominant, Autosomal Recessive and X-Linked Classification Criteria (2023). Collection method: clinical testing. Allele origin: unknown. Not counted in ClinVar's aggregate classification.
Comment: This variant is considered pathogenic. This variant creates a termination codon and is predicted to result in premature protein truncation.

Color Diagnostics, LLC DBA Color Health
Classification: Pathogenic for Hereditary cancer-predisposing syndrome. Last evaluated: 2023-02-17. Review status: criteria provided, single submitter. Criteria: ACMG Guidelines, 2015. Collection method: clinical testing. Allele origin: germline. Not counted in ClinVar's aggregate classification.
Comment: This variant deletes 2 nucleotides in exon 13 of the CDH1 gene, creating a frameshift and premature translation stop signal. This variant is expected to result in an absent or non-functional protein product. To our knowledge, functional studies have not been reported for this variant. This variant has been reported in individuals affected with hereditary diffuse gastric cancer and lobular breast cancer (PMID: 15235021, 17545690, 18391748, 21424370, 26072394, 29307626, 31296550, DOI: 10.1200/po.17.00006). This variant has not been identified in the general population by the Genome Aggregation Database (gnomAD). Loss of CDH1 function is a known mechanism of disease. Based on the available evidence, this variant is classified as Pathogenic.

European Reference Network on Genetic Tumour Risk Syndromes (ERN-GENTURIS), i3s - Instituto de Investigação e Inovação em Saúde, University of Porto
Classification: Pathogenic for Hereditary diffuse gastric adenocarcinoma. Last evaluated: 2022-08-01. Review status: criteria provided, single submitter. Criteria: Lee et al. (Hum Mutat. 2018). Collection method: clinical testing. Allele origin: germline. Inheritance: Autosomal dominant inheritance. Affected: yes. Study: ERN GENTURIS. Not counted in ClinVar's aggregate classification.
Comment: PVS1; PS4_Supporting; PM2 (PMID: 30311375)

Fulgent Genetics
Classification: Pathogenic for Familial cancer of breast; Blepharocheilodontic syndrome 1; Hereditary diffuse gastric adenocarcinoma; Ovarian cancer; Familial prostate cancer; Endometrial carcinoma. Last evaluated: 2022-05-23. Review status: criteria provided, single submitter. Criteria: ACMG Guidelines, 2015. Collection method: clinical testing. Allele origin: unknown. Not counted in ClinVar's aggregate classification.

GeneDx
Classification: Pathogenic. Last evaluated: 2021-07-01. Review status: criteria provided, single submitter. Criteria: GeneDx Variant Classification Process June 2021. Collection method: clinical testing. Allele origin: germline. Affected: yes. Not counted in ClinVar's aggregate classification.
Comment: Identified in patients with a personal or family history consistent with pathogenic variants in this gene in published literature (Brooks-Wilson 2004, Kaurah 2007, Rogers 2008, van der Post 2015, Lee 2018, Xicola 2019); Nonsense variant predicted to result in protein truncation or nonsense mediated decay in a gene for which loss-of-function is a known mechanism of disease; Not observed at significant frequency in large population cohorts (Lek 2006).; This variant is associated with the following publications: (PMID: 15235021, 17545690, 18391748, 26072394, 31296550, 29307626, 27535533, 30730459, 21271559, 21424370)

NM_004360.5(CDH1):c.2064_2065del (p.Cys688_Glu689delinsTer)

Gene: CDH1 (cadherin 1; plus strand). Cytogenetic location: 16q22.1.
Variant type: Microsatellite.
Coding change: c.2064_2065del on transcript NM_004360.5 (MANE Select); coding-DNA positions 2064 to 2065, 2 bases deleted (TG; older notation c.2064_2065delTG).
Protein change: p.Cys688_Glu689delinsTer.
Molecular consequence: nonsense.
Genome position (GRCh38, 1-based): chr16:68,823,526-68,823,527, TG deleted; deleting any 2 consecutive bases within chr16:68,823,524-68,823,527 gives the same sequence; the c. name uses the placement nearest the transcript's 3' end. VCF-style (leftmost placement, unchanged base first): chr16-68823523-CTG-C. GRCh37 (hg19) VCF-style: chr16-68857426-CTG-C.
Other names: c.2062_2063TG[1] (NM_004360.5); c.1881_1882del, p.Cys627_Glu628delinsTer (NM_001317184.2); c.516_517del, p.Cys172_Glu173delinsTer (NM_001317185.2); c.99_100del, p.Cys33_Glu34delinsTer (NM_001317186.2); c.2064_2065del (NM_004360.3); c.2064_2065delTG (NM_004360.4); c.2062_2063delTG (NM_004360.3).
Identifiers: ClinVar variation 140781 (VCV000140781.55), dbSNP rs587781276, ClinGen allele CA163542.